The following is an entry in ClinVar:

ClinVar aggregate classification (germline): Pathogenic (1 of 4 stars; one submission).

Conditions:
Spermatogenic failure 18. Identifiers: MedGen C4539783, MONDO:0054615, OMIM 617576.
Ciliary dyskinesia, primary, 37 (CILD37). Also called: CILIARY DYSKINESIA, PRIMARY, 37, WITH OR WITHOUT SITUS INVERSUS. Identifiers: MedGen C4539798, MONDO:0033204, OMIM 617577.

Submission:

Labcorp Genetics (formerly Invitae), Labcorp
Classification: Pathogenic for Ciliary dyskinesia, primary, 37; Spermatogenic failure 18. Last evaluated: 2025-10-06. Review status: criteria provided, single submitter. Criteria: Invitae Variant Classification Sherloc (09022015). Collection method: clinical testing. Allele origin: germline.
Comment: This sequence change creates a premature translational stop signal (p.Asn3880Ilefs*16) in the DNAH1 gene. It is expected to result in an absent or disrupted protein product. Loss-of-function variants in DNAH1 are known to be pathogenic (PMID: 27573432, 27798045). This variant is not present in population databases (gnomAD no frequency). This variant has not been reported in the literature in individuals affected with DNAH1-related conditions. For these reasons, this variant has been classified as Pathogenic.

Literature cited by the submitters: PubMed 27573432; PubMed 27798045.

NM_015512.5(DNAH1):c.11637del (p.Asn3880fs)

Gene: DNAH1 (dynein axonemal heavy chain 1; plus strand). Cytogenetic location: 3p21.1.
Variant type: Deletion.
Coding change: c.11637del on transcript NM_015512.5 (MANE Select); coding-DNA position 11637, one base deleted (C; older notation c.11637delC).
Protein change: p.Asn3880fs; shifts the reading frame from asparagine 3880.
Molecular consequence: frameshift variant.
Genome position (GRCh38, 1-based): chr3:52,396,894, C deleted. VCF-style (leftmost placement, unchanged base first): chr3-52396893-TC-T. GRCh37 (hg19) VCF-style: chr3-52430909-TC-T.
Other names: short protein forms N3880fs.
Identifiers: ClinVar variation 4794620 (VCV004794620.1).